The following is an entry in ClinVar:

NM_001166114.2(PNPLA6):c.2411T>C (p.Leu804Pro)

Gene: PNPLA6 (patatin like domain 6, lysophospholipase; plus strand). Cytogenetic location: 19p13.2.
Variant type: single nucleotide variant.
Coding change: c.2411T>C on transcript NM_001166114.2 (MANE Select); coding-DNA position 2411, T replaced by C.
Protein change: p.Leu804Pro; replaces leucine 804 with proline.
Molecular consequence: missense variant.
Genome position (GRCh38, 1-based): chr19:7,554,218, T>C. VCF-style: chr19-7554218-T-C. GRCh37 (hg19) VCF-style: chr19-7619104-T-C.
Other names: c.2441T>C, p.Leu814Pro (NM_001166111.2); c.2216T>C, p.Leu739Pro (NM_001166112.2); c.2297T>C, p.Leu766Pro (NM_001166113.1, NM_006702.5); short protein forms L804P, L766P, L814P, L739P.
Identifiers: ClinVar variation 1432194 (VCV001432194.6), dbSNP rs148308965, ClinGen allele CA9140099.

ClinVar aggregate classification (germline): Uncertain significance (1 of 4 stars; one submission).

Conditions:
Hereditary spastic paraplegia 39 (SPG39). Also called: SPASTIC PARAPLEGIA 39, AUTOSOMAL RECESSIVE; Spastic Paraplegia Type 39 (SPG39). Identifiers: Orphanet 139480, MedGen C2677586, MONDO:0012787, OMIM 612020.

Allele frequency attached by ClinVar (database versions not stated): gnomAD exomes below 0.00001; ExAC 0.00001; ESP Exome Variant Server 0.00008.
gnomAD v4.1: 1 of 1,614,086 alleles (0.000062%); highest among the groups gnomAD compares: Non-Finnish European, 0.000085%; no homozygotes.

Submission:

Labcorp Genetics (formerly Invitae), Labcorp
Classification: Uncertain significance for Hereditary spastic paraplegia 39. Last evaluated: 2022-06-27. Review status: criteria provided, single submitter. Criteria: Invitae Variant Classification Sherloc (09022015). Collection method: clinical testing. Allele origin: germline.
Comment: This variant is present in population databases (rs148308965, gnomAD 0.0009%). This sequence change replaces leucine, which is neutral and non-polar, with proline, which is neutral and non-polar, at codon 766 of the PNPLA6 protein (p.Leu766Pro). This missense change has been observed in individual(s) with clinical features of Gordon Holmes syndrome (PMID: 29248984). In summary, the available evidence is currently insufficient to determine the role of this variant in disease. Therefore, it has been classified as a Variant of Uncertain Significance. Algorithms developed to predict the effect of missense changes on protein structure and function are either unavailable or do not agree on the potential impact of this missense change (SIFT: "Deleterious"; PolyPhen-2: "Probably Damaging"; Align-GVGD: "Class C0").

Literature cited by the submitters: PubMed 29248984.